The following is an entry in ClinVar:

ClinVar aggregate classification (germline): Pathogenic (1 of 4 stars; one submission).

Submission:

Labcorp Genetics (formerly Invitae), Labcorp
Classification: Pathogenic. Last evaluated: 2023-04-09. Review status: criteria provided, single submitter. Criteria: Invitae Variant Classification Sherloc (09022015). Collection method: clinical testing. Allele origin: germline.
Comment: For these reasons, this variant has been classified as Pathogenic. This variant disrupts a region of the STAMBP protein in which other variant(s) (p.Arg424*) have been determined to be pathogenic (PMID: 23542699). This suggests that this is a clinically significant region of the protein, and that variants that disrupt it are likely to be disease-causing. This variant has not been reported in the literature in individuals affected with STAMBP-related conditions. This variant is a gross deletion of the genomic region encompassing exon(s) 10 of the STAMBP gene. While this deletion is not anticipated to lead to nonsense mediated decay, it is expected to disrupt the C-terminus of the protein.

Literature cited by the submitters: PubMed 23542699.

NC_000002.11:g.(?_74087159)_(74087298_?)del

Gene: STAMBP (STAM binding protein; plus strand). Cytogenetic location: 2p13.1.
Variant type: Deletion.
Identifiers: ClinVar variation 2425598 (VCV002425598.4).